The following is an entry in ClinVar:

ClinVar aggregate classification (germline): Uncertain significance. Review status: reviewed by expert panel (3 of 4 stars). 3 submissions from 3 submitters: Uncertain significance (1). 2 of the submissions do not count toward it. Last evaluated 2026-01-30.

Conditions:
Pulmonary arterial hypertension. Identifiers: Orphanet 182090, MedGen C2973725, MeSH D000081029, MONDO:0015924, HP:0002092.
Pulmonary hypertension, primary, 1 (PPH1). Also called: Pulmonary hypertension, familial primary, 1, with or without HHT. Identifiers: Orphanet 422, MedGen C4552070, MONDO:0024533, OMIM 178600.

Submissions (3):

Clingen Pulmonary Hypertension Variant Curation Expert Panel, ClinGen
Classification: Uncertain significance for Pulmonary arterial hypertension. Last evaluated: 2026-01-30. Review status: reviewed by expert panel. Criteria: ClinGen PH ACMG Specifications BMPR2 V2.0.0. Collection method: curation. Allele origin: germline. Inheritance: Autosomal dominant inheritance.
Comment: The BMPR2 c.968-3C>G is an intronic variant in intron 7. This variant is absent from both gnomAD v2.1.1 and v3.1.2 (PM2_Supporting). The variant has been reported in 2 unrelated PAH patients (PMID: 26387786 and GeneDx submission to ClinVar) (PS4_Supporting). PVS1 is not applied because it is a non-canonical splice site variant without mRNA processing data. The computational splicing predictor SpliceAI gives a score of 0.98 for acceptor loss, predicting that the variant disrupts the acceptor splice site of intron 7 (PP3). The variant affects the same nucleotide as c.968-5A>G, classified as pathogenic by the PH VCEP (PS1). In summary, the variant is classified as a variant of uncertain significance for pulmonary arterial hypertension based on the ACMG/AMP criteria applied, as specified by the ClinGen Pulmonary Hypertension VCEP: PS1_Moderate, PS4_Supporting, PM2_Supporting, PP3 (VCEP specification version 2.0, 1/30/2026).

GeneDx
Classification: Uncertain significance. Last evaluated: 2024-12-12. Review status: criteria provided, single submitter. Criteria: GeneDx Variant Classification Process June 2021. Collection method: clinical testing. Allele origin: germline. Affected: yes. Not counted in ClinVar's aggregate classification.
Comment: Not observed at significant frequency in large population cohorts (gnomAD); In silico analysis supports a deleterious effect on splicing; This variant is associated with the following publications: (PMID: 26387786)

Rare Disease Genomics Group, St George's University of London
Classification: Pathogenic for Primary pulmonary hypertension. Review status: no assertion criteria provided. Collection method: literature only. Allele origin: germline. Affected: yes. Not counted in ClinVar's aggregate classification.

Literature cited by the submitters: PubMed 26387786 (cited by Rare Disease Genomics Group, St George's University of London).

NM_001204.7(BMPR2):c.968-3C>G

Gene: BMPR2 (bone morphogenetic protein receptor type 2; plus strand). Cytogenetic location: 2q33.2.
Variant type: single nucleotide variant.
Coding change: c.968-3C>G on transcript NM_001204.7 (MANE Select); 3 bases into the intron before coding-DNA position 968, C replaced by G.
Molecular consequence: intron variant.
Genome position (GRCh38, 1-based): chr2:202,530,791, C>G. VCF-style: chr2-202530791-C-G. GRCh37 (hg19) VCF-style: chr2-203395514-C-G.
Other names: c.968-3C>G (LRG_712t1).
Identifiers: ClinVar variation 425852 (VCV000425852.6), dbSNP rs1085307280, ClinGen allele CA645293968.